The following is an entry in ClinVar:

ClinVar aggregate classification (germline): Uncertain significance (1 of 4 stars; one submission).

Conditions:
Landau-Kleffner syndrome (FESD). Also called: EPILEPSY, FOCAL, WITH SPEECH DISORDER AND WITH OR WITHOUT MENTAL RETARDATION; APHASIA, ACQUIRED, WITH EPILEPSY. Identifiers: Orphanet 1945, Orphanet 725, Orphanet 98818, MedGen C0282512, MONDO:0009509, OMIM 245570.

Submission:

Labcorp Genetics (formerly Invitae), Labcorp
Classification: Uncertain significance for Landau-Kleffner syndrome. Last evaluated: 2022-03-04. Review status: criteria provided, single submitter. Criteria: Invitae Variant Classification Sherloc (09022015). Collection method: clinical testing. Allele origin: germline.
Comment: This sequence change replaces valine, which is neutral and non-polar, with methionine, which is neutral and non-polar, at codon 363 of the GRIN2A protein (p.Val363Met). This variant is not present in population databases (gnomAD no frequency). This variant has not been reported in the literature in individuals affected with GRIN2A-related conditions. Advanced modeling of protein sequence and biophysical properties (such as structural, functional, and spatial information, amino acid conservation, physicochemical variation, residue mobility, and thermodynamic stability) performed at Invitae indicates that this missense variant is not expected to disrupt GRIN2A protein function. In summary, the available evidence is currently insufficient to determine the role of this variant in disease. Therefore, it has been classified as a Variant of Uncertain Significance.

NM_001134407.3(GRIN2A):c.1087G>A (p.Val363Met)

Gene: GRIN2A (glutamate ionotropic receptor NMDA type subunit 2A; minus strand). Cytogenetic location: 16p13.2.
Variant type: single nucleotide variant.
Coding change: c.1087G>A on transcript NM_001134407.3 (MANE Select); coding-DNA position 1087, G replaced by A.
Protein change: p.Val363Met; replaces valine 363 with methionine.
Molecular consequence: missense variant.
Genome position (GRCh38, 1-based): chr16:9,891,021, C>T on the plus strand (G>A on the coding strand, the complement: GRIN2A is on the minus strand). VCF-style: chr16-9891021-C-T. GRCh37 (hg19) VCF-style: chr16-9984878-C-T.
Other names: c.1087G>A, p.Val363Met (NM_000833.5, NM_001134408.2); short protein forms V363M.
Identifiers: ClinVar variation 2106456 (VCV002106456.4), dbSNP rs2043684301, ClinGen allele CA394797445.